The following is an entry in ClinVar:

ClinVar aggregate classification (germline): Uncertain significance (1 of 4 stars; one submission).

Conditions:
Nephronophthisis 15 (NPHP15). Identifiers: Orphanet 3156, MedGen C3541853, MONDO:0013917, OMIM 614845.

Allele frequency attached by ClinVar (database versions not stated): gnomAD exomes below 0.00001; ExAC 0.00001.
gnomAD v4.1: 2 of 1,613,694 alleles (0.00012%); highest among the groups gnomAD compares: Admixed American, 0.0017%; no homozygotes.

Submission:

Labcorp Genetics (formerly Invitae), Labcorp
Classification: Uncertain significance for Nephronophthisis 15. Last evaluated: 2022-08-09. Review status: criteria provided, single submitter. Criteria: Invitae Variant Classification Sherloc (09022015). Collection method: clinical testing. Allele origin: germline.
Comment: In summary, the available evidence is currently insufficient to determine the role of this variant in disease. Therefore, it has been classified as a Variant of Uncertain Significance. Algorithms developed to predict the effect of missense changes on protein structure and function output the following: SIFT: "Tolerated"; PolyPhen-2: "Benign"; Align-GVGD: "Class C0". The glycine amino acid residue is found in multiple mammalian species, which suggests that this missense change does not adversely affect protein function. ClinVar contains an entry for this variant (Variation ID: 1428336). This variant has not been reported in the literature in individuals affected with CEP164-related conditions. This variant is present in population databases (rs753078424, gnomAD 0.003%). This sequence change replaces aspartic acid, which is acidic and polar, with glycine, which is neutral and non-polar, at codon 205 of the CEP164 protein (p.Asp205Gly).

NM_014956.5(CEP164):c.614A>G (p.Asp205Gly)

Gene: CEP164 (centrosomal protein 164; plus strand). Cytogenetic location: 11q23.3.
Variant type: single nucleotide variant.
Coding change: c.614A>G on transcript NM_014956.5 (MANE Select); coding-DNA position 614, A replaced by G.
Protein change: p.Asp205Gly; replaces aspartic acid 205 with glycine.
Molecular consequence: missense variant.
Genome position (GRCh38, 1-based): chr11:117,362,465, A>G. VCF-style: chr11-117362465-A-G. GRCh37 (hg19) VCF-style: chr11-117233181-A-G.
Other names: c.614A>G, p.Asp205Gly (NM_001271933.2); short protein forms D205G.
Identifiers: ClinVar variation 1428336 (VCV001428336.6), dbSNP rs753078424, ClinGen allele CA6294535.